The following is an entry in ClinVar:

ClinVar aggregate classification (germline): Uncertain significance (1 of 4 stars; one submission).

Conditions:
Ehlers-Danlos syndrome, classic type, 1 (EDSCL1). Also called: Ehlers-Danlos Syndrome, Classic Type, COL5A1-Related; EDS I; Ehlers-Danlos syndrome, type 1; EHLERS-DANLOS SYNDROME, GRAVIS TYPE; EHLERS-DANLOS SYNDROME, SEVERE CLASSIC TYPE. Identifiers: MedGen C0268335, MONDO:0019567, OMIM 130000.

Allele frequency attached by ClinVar (database versions not stated): gnomAD 0.00001.
gnomAD v4.1: 1 of 1,569,100 alleles (0.000064%); highest among the groups gnomAD compares: Admixed American, 0.0019%; no homozygotes.

Submission:

Labcorp Genetics (formerly Invitae), Labcorp
Classification: Uncertain significance for Ehlers-Danlos syndrome, classic type, 1. Last evaluated: 2021-08-31. Review status: criteria provided, single submitter. Criteria: Invitae Variant Classification Sherloc (09022015). Collection method: clinical testing. Allele origin: germline.
Comment: This sequence change replaces glycine with alanine at codon 1219 of the COL5A1 protein (p.Gly1219Ala). The glycine residue is moderately conserved and there is a small physicochemical difference between glycine and alanine. This variant is not present in population databases (ExAC no frequency). This variant has not been reported in the literature in individuals affected with COL5A1-related conditions. This variant disrupts the triple helix domain of COL5A1. Glycine residues within the Gly-Xaa-Yaa repeats of the triple helix domain are required for the structure and stability of fibrillar collagens (PMID: 7695699, 8218237, 19344236), and variants at these glycine residues in COL5A1 are more frequently observed in individuals with disease than in the general population (PMID: 22696272, 23587214). However, the clinical significance of this observation remains uncertain since only a limited number of affected individuals have been described to date. In summary, the available evidence is currently insufficient to determine the role of this variant in disease. Therefore, it has been classified as a Variant of Uncertain Significance.

Literature cited by the submitters: PubMed 7695699; PubMed 8218237; PubMed 19344236; PubMed 22696272; PubMed 23587214.

NM_000093.5(COL5A1):c.3656G>C (p.Gly1219Ala)

Gene: COL5A1 (collagen type V alpha 1 chain; plus strand). Cytogenetic location: 9q34.3.
Variant type: single nucleotide variant.
Coding change: c.3656G>C on transcript NM_000093.5 (MANE Select); coding-DNA position 3656, G replaced by C.
Protein change: p.Gly1219Ala; replaces glycine 1219 with alanine.
Molecular consequence: missense variant.
Genome position (GRCh38, 1-based): chr9:134,811,565, G>C. VCF-style: chr9-134811565-G-C. GRCh37 (hg19) VCF-style: chr9-137703411-G-C.
Other names: c.3656G>C, p.Gly1219Ala (NM_001278074.1); short protein forms G1219A.
Identifiers: ClinVar variation 567468 (VCV000567468.7), dbSNP rs1564475073, ClinGen allele CA375454221.